The following is an entry in ClinVar:

ClinVar aggregate classification (germline): Pathogenic. Review status: criteria provided, multiple submitters, no conflicts (2 of 4 stars). 3 submissions from 3 submitters: Pathogenic (3). Last evaluated 2024-03-07.

Conditions:
Usher syndrome type 2A. Also called: RETINAL DISEASE IN USHER SYNDROME TYPE IIA, MODIFIER OF; USHER SYNDROME, TYPE IIA. Identifiers: Orphanet 231178, Orphanet 886, MedGen C1848634, MONDO:0010169, OMIM 276901.
Retinitis pigmentosa 39 (RP39). Identifiers: Orphanet 791, MedGen C3151138, MONDO:0013436, OMIM 613809.

Allele frequency attached by ClinVar (database versions not stated): gnomAD exomes below 0.00001.
gnomAD v4.1: 1 of 1,613,742 alleles (0.000062%); highest among the groups gnomAD compares: Non-Finnish European, 0.000085%; no homozygotes.

Submissions (3):

Baylor Genetics
Classification: Pathogenic for Retinitis pigmentosa 39. Last evaluated: 2024-03-07. Review status: criteria provided, single submitter. Criteria: ACMG Guidelines, 2015. Collection method: clinical testing. Allele origin: unknown.

Fulgent Genetics
Classification: Pathogenic for Usher syndrome type 2A; Retinitis pigmentosa 39. Last evaluated: 2024-01-04. Review status: criteria provided, single submitter. Criteria: ACMG Guidelines, 2015. Collection method: clinical testing. Allele origin: germline.

Labcorp Genetics (formerly Invitae), Labcorp
Classification: Pathogenic. Last evaluated: 2023-03-15. Review status: criteria provided, single submitter. Criteria: Invitae Variant Classification Sherloc (09022015). Collection method: clinical testing. Allele origin: germline.
Comment: This sequence change creates a premature translational stop signal (p.Trp2455*) in the USH2A gene. It is expected to result in an absent or disrupted protein product. Loss-of-function variants in USH2A are known to be pathogenic (PMID: 10729113, 10909849, 20507924, 25649381). For these reasons, this variant has been classified as Pathogenic. This premature translational stop signal has been observed in individual(s) with inherited retinal dystrophies (PMID: 24516651). This variant is not present in population databases (gnomAD no frequency).

Literature cited by the submitters: PubMed 10729113 (cited by Labcorp Genetics (formerly Invitae), Labcorp); PubMed 10909849 (cited by Labcorp Genetics (formerly Invitae), Labcorp); PubMed 20507924 (cited by Labcorp Genetics (formerly Invitae), Labcorp); PubMed 25649381 (cited by Labcorp Genetics (formerly Invitae), Labcorp); PubMed 24516651 (cited by Labcorp Genetics (formerly Invitae), Labcorp).

NM_206933.4(USH2A):c.7364G>A (p.Trp2455Ter)

Gene: USH2A (usherin; minus strand). Cytogenetic location: 1q41.
Variant type: single nucleotide variant.
Coding change: c.7364G>A on transcript NM_206933.4 (MANE Select); coding-DNA position 7364, G replaced by A.
Protein change: p.Trp2455Ter; replaces tryptophan 2455 with a stop codon.
Molecular consequence: nonsense.
Genome position (GRCh38, 1-based): chr1:215,900,842, C>T on the plus strand (G>A on the coding strand, the complement: USH2A is on the minus strand). VCF-style: chr1-215900842-C-T. GRCh37 (hg19) VCF-style: chr1-216074184-C-T.
Other names: short protein forms W2455*.
Identifiers: ClinVar variation 2734086 (VCV002734086.5), dbSNP rs2464785255, ClinGen allele CA344850017.